The following is an entry in ClinVar:

NM_000038.6(APC):c.646-1G>T

Gene: APC (APC regulator of WNT signaling pathway; plus strand). Cytogenetic location: 5q22.2.
Variant type: single nucleotide variant.
Coding change: c.646-1G>T on transcript NM_000038.6 (MANE Select); the canonical splice acceptor site of the intron before coding-DNA position 646, G replaced by T.
Molecular consequence: splice acceptor variant. On other transcripts: intron variant (5).
Genome position (GRCh38, 1-based): chr5:112,792,445, G>T. VCF-style: chr5-112792445-G-T. GRCh37 (hg19) VCF-style: chr5-112128142-G-T.
Other names: c.-390-1G>T (NM_001407470.1, NM_001407472.1, NM_001354906.2 and 1 more transcripts); c.646-1G>T (NM_001407447.1, NM_001354895.2, NM_001407456.1 and 12 more transcripts); c.646-8834G>T (NM_001407452.1, NM_001407469.1, NM_001354899.2 and 1 more transcripts); c.676-1G>T (NM_001407446.1, NM_001354897.2, NM_001354902.2); c.676-8834G>T (NM_001127511.3); c.469-1G>T (NM_001407453.1, NM_001354900.2, NM_001354901.2 and 1 more transcripts); c.571-1G>T (NM_001407451.1, NM_001354898.2, NM_001354904.2).
Identifiers: ClinVar variation 83006 (VCV000083006.2), dbSNP rs78847145, ClinGen allele CA011713.

ClinVar aggregate classification (germline): other (0 of 4 stars; one submission).

Conditions:
Familial colorectal cancer. Identifiers: MedGen CN280943, MONDO:0023113. Disease mechanism: loss of function.

Submission:

Systems Biology Platform Zhejiang California International NanoSystems Institute
Classification: other for Familial colorectal cancer. Review status: no assertion criteria provided. Collection method: not provided. Allele origin: unknown.
ClinVar note: Converted during submission from cancer to other.